The following is an entry in ClinVar:

NM_032578.4(MYPN):c.1040A>G (p.Tyr347Cys)

Gene: MYPN (myopalladin; plus strand). Cytogenetic location: 10q21.3.
Variant type: single nucleotide variant.
Coding change: c.1040A>G on transcript NM_032578.4 (MANE Select); coding-DNA position 1040, A replaced by G.
Protein change: p.Tyr347Cys; replaces tyrosine 347 with cysteine.
Molecular consequence: missense variant. On other transcripts: non-coding transcript variant (2).
Genome position (GRCh38, 1-based): chr10:68,143,077, A>G. VCF-style: chr10-68143077-A-G. GRCh37 (hg19) VCF-style: chr10-69902834-A-G.
Other names: c.1040A>G, p.Tyr347Cys (NM_001256267.2); c.158A>G, p.Tyr53Cys (NM_001256268.2); c.1040A>G (NM_032578.2); short protein forms Y347C, Y53C.
Identifiers: ClinVar variation 3897438 (VCV003897438.2).

ClinVar aggregate classification (germline): Uncertain significance. Review status: criteria provided, multiple submitters, no conflicts (2 of 4 stars). 2 submissions from 2 submitters: Uncertain significance (2). Last evaluated 2025-08-19.

Conditions:
Cardiovascular phenotype. Identifiers: MedGen CN230736.

gnomAD v4.1: 4 of 1,614,084 alleles (0.00025%); highest among the groups gnomAD compares: East Asian, 0.0045%; no homozygotes.

Submissions (2):

Ambry Genetics
Classification: Uncertain significance for Cardiovascular phenotype. Last evaluated: 2025-08-19. Review status: criteria provided, single submitter. Criteria: Ambry Variant Classification Scheme 2023. Collection method: clinical testing. Allele origin: germline.
Comment: The p.Y347C variant (also known as c.1040A>G), located in coding exon 2 of the MYPN gene, results from an A to G substitution at nucleotide position 1040. The tyrosine at codon 347 is replaced by cysteine, an amino acid with highly dissimilar properties. This amino acid position is conserved. In addition, this alteration is predicted to be tolerated by in silico analysis. Based on the available evidence, the clinical significance of this variant remains unclear.

GeneDx
Classification: Uncertain significance. Last evaluated: 2024-10-31. Review status: criteria provided, single submitter. Criteria: GeneDx Variant Classification Process June 2021. Collection method: clinical testing. Allele origin: germline. Affected: yes.
Comment: Not observed at significant frequency in large population cohorts (gnomAD); In silico analysis indicates that this missense variant does not alter protein structure/function; Has not been previously published as pathogenic or benign to our knowledge